The following is an entry in ClinVar:

NM_177924.5(ASAH1):c.503+4A>T

Gene: ASAH1 (N-acylsphingosine amidohydrolase 1; minus strand). Cytogenetic location: 8p22.
Variant type: single nucleotide variant.
Coding change: c.503+4A>T on transcript NM_177924.5 (MANE Select); 4 bases into the intron after coding-DNA position 503, A replaced by T.
Molecular consequence: intron variant.
Genome position (GRCh38, 1-based): chr8:18,063,181, T>A on the plus strand (A>T on the coding strand, the complement: ASAH1 is on the minus strand). VCF-style: chr8-18063181-T-A. GRCh37 (hg19) VCF-style: chr8-17920690-T-A.
Other names: c.551+4A>T (NM_004315.6); c.485+4A>T (NM_001127505.3); c.308+4A>T (NM_001363743.2).
Identifiers: ClinVar variation 1510406 (VCV001510406.3), dbSNP rs767541845, ClinGen allele CA4650808.
Genomic context (GRCh38, chr8:18,063,181, plus strand): 5'-GCCTCCCAAAAAGCTGGGATTACAGGCGTGAACCACCATGCCTGACCCTTTGTTCTTTAC[T>A]TACCCAAGAAATACTCCAAAATCCATGTTTCTCCCATGTATTAGATGACCTATTTGAAGG-3'

ClinVar aggregate classification (germline): Uncertain significance (1 of 4 stars; one submission).

Allele frequency attached by ClinVar (database versions not stated): gnomAD exomes 0.00001; ExAC 0.00001.
gnomAD v4.1: 5 of 1,613,812 alleles (0.00031%); highest among the groups gnomAD compares: East Asian, 0.0045%; no homozygotes.

Submission:

Labcorp Genetics (formerly Invitae), Labcorp
Classification: Uncertain significance. Last evaluated: 2021-02-15. Review status: criteria provided, single submitter. Criteria: Invitae Variant Classification Sherloc (09022015). Collection method: clinical testing. Allele origin: germline.
Comment: This sequence change falls in intron 7 of the ASAH1 gene. It does not directly change the encoded amino acid sequence of the ASAH1 protein. It affects a nucleotide within the consensus splice site of the intron. This variant is present in population databases (rs767541845, ExAC 0.01%). This variant has not been reported in the literature in individuals with ASAH1-related conditions. Nucleotide substitutions within the consensus splice site are a relatively common cause of aberrant splicing (PMID: 17576681, 9536098). Algorithms developed to predict the effect of sequence changes on RNA splicing suggest that this variant may disrupt the consensus splice site, but this prediction has not been confirmed by published transcriptional studies. In summary, the available evidence is currently insufficient to determine the role of this variant in disease. Therefore, it has been classified as a Variant of Uncertain Significance.

Literature cited by the submitters: PubMed 17576681; PubMed 9536098.